The following is an entry in ClinVar:

NM_014908.4(DOLK):c.1532G>A (p.Ser511Asn)

Gene: DOLK (dolichol kinase; minus strand). Cytogenetic location: 9q34.11.
Variant type: single nucleotide variant.
Coding change: c.1532G>A on transcript NM_014908.4 (MANE Select); coding-DNA position 1532, G replaced by A.
Protein change: p.Ser511Asn; replaces serine 511 with asparagine.
Molecular consequence: missense variant.
Genome position (GRCh38, 1-based): chr9:128,945,772, C>T on the plus strand (G>A on the coding strand, the complement: DOLK is on the minus strand). VCF-style: chr9-128945772-C-T. GRCh37 (hg19) VCF-style: chr9-131708051-C-T.
Other names: short protein forms S511N.
Identifiers: ClinVar variation 569534 (VCV000569534.11), dbSNP rs1178866364, ClinGen allele CA375115838.

ClinVar aggregate classification (germline): Uncertain significance (1 of 4 stars; one submission).

Conditions:
DK1-congenital disorder of glycosylation. Also called: DK1-CDG; DOLK-congenital disorder of glycosylation; Carbohydrate deficient glycoprotein syndrome type 1m; CDG Im; DK1 DEFICIENCY; DOLICHOL KINASE DEFICIENCY. Identifiers: Orphanet 91131, MedGen C1835849, MONDO:0012556, OMIM 610768.

Submission:

Labcorp Genetics (formerly Invitae), Labcorp
Classification: Uncertain significance for DK1-congenital disorder of glycosylation. Last evaluated: 2019-02-23. Review status: criteria provided, single submitter. Criteria: Invitae Variant Classification Sherloc (09022015). Collection method: clinical testing. Allele origin: germline.
Comment: In summary, the available evidence is currently insufficient to determine the role of this variant in disease. Therefore, it has been classified as a Variant of Uncertain Significance. Algorithms developed to predict the effect of missense changes on protein structure and function (SIFT, PolyPhen-2, Align-GVGD) all suggest that this variant is likely to be tolerated, but these predictions have not been confirmed by published functional studies and their clinical significance is uncertain. This variant has not been reported in the literature in individuals with DOLK-related disease. This variant is not present in population databases (ExAC no frequency). This sequence change replaces serine with asparagine at codon 511 of the DOLK protein (p.Ser511Asn). The serine residue is moderately conserved and there is a small physicochemical difference between serine and asparagine.